The following is an entry in ClinVar:

NM_001099697.2(RSPH10B2):c.1955C>T (p.Pro652Leu)

Gene: RSPH10B2 (radial spoke head 10 homolog B2; plus strand). Cytogenetic location: 7p22.1.
Variant type: single nucleotide variant.
Coding change: c.1955C>T on transcript NM_001099697.2 (MANE Select); coding-DNA position 1955, C replaced by T.
Protein change: p.Pro652Leu; replaces proline 652 with leucine.
Molecular consequence: missense variant.
Genome position (GRCh38, 1-based): chr7:6,786,966, C>T. VCF-style: chr7-6786966-C-T. GRCh37 (hg19) VCF-style: chr7-6826597-C-T.
Other names: short protein forms P652L.
Identifiers: ClinVar variation 2657312 (VCV002657312.24), dbSNP rs201849336, ClinGen allele CA4158031.

ClinVar aggregate classification (germline): Likely benign (1 of 4 stars; one submission).

Allele frequency attached by ClinVar (database versions not stated): ExAC 0.00273.

Submission:

CeGaT Center for Human Genetics Tuebingen
Classification: Likely benign. Last evaluated: 2023-01-01. Review status: criteria provided, single submitter. Criteria: CeGaT Center For Human Genetics Tuebingen Variant Classification Criteria Version 2. Collection method: clinical testing. Allele origin: germline. Affected: yes. Observed: 1 variant allele.
Comment: RSPH10B2: BS2